The following is an entry in ClinVar:

NM_004055.5(CAPN5):c.776T>C (p.Val259Ala)

Gene: CAPN5 (calpain 5; plus strand). Cytogenetic location: 11q13.5.
Variant type: single nucleotide variant.
Coding change: c.776T>C on transcript NM_004055.5 (MANE Select); coding-DNA position 776, T replaced by C.
Protein change: p.Val259Ala; replaces valine 259 with alanine.
Molecular consequence: missense variant.
Genome position (GRCh38, 1-based): chr11:77,115,471, T>C. VCF-style: chr11-77115471-T-C. GRCh37 (hg19) VCF-style: chr11-76826517-T-C.
Other names: c.896T>C, p.Val299Ala (NM_001425321.1); c.776T>C, p.Val259Ala (NM_001425322.1); c.644T>C, p.Val215Ala (NM_001425323.1); short protein forms V259A, V215A, V299A.
Identifiers: ClinVar variation 3009663 (VCV003009663.4), dbSNP rs747345728, ClinGen allele CA6196554.

ClinVar aggregate classification (germline): Uncertain significance. Review status: criteria provided, multiple submitters, no conflicts (2 of 4 stars). 2 submissions from 2 submitters: Uncertain significance (2). Last evaluated 2023-04-03.

Allele frequency attached by ClinVar (database versions not stated): ExAC 0.00001; gnomAD 0.00001; gnomAD exomes 0.00001; TOPMed 0.00001.
gnomAD v4.1: 22 of 1,613,054 alleles (0.0014%); highest among the groups gnomAD compares: Non-Finnish European, 0.0013%; no homozygotes.

Submissions (2):

Blueprint Genetics
Classification: Uncertain significance. Last evaluated: 2023-04-03. Review status: criteria provided, single submitter. Criteria: ACMG Guidelines, 2015. Collection method: clinical testing. Allele origin: germline.

Labcorp Genetics (formerly Invitae), Labcorp
Classification: Uncertain significance. Last evaluated: 2022-11-20. Review status: criteria provided, single submitter. Criteria: Invitae Variant Classification Sherloc (09022015). Collection method: clinical testing. Allele origin: germline.
Comment: This sequence change replaces valine, which is neutral and non-polar, with alanine, which is neutral and non-polar, at codon 259 of the CAPN5 protein (p.Val259Ala). In summary, the available evidence is currently insufficient to determine the role of this variant in disease. Therefore, it has been classified as a Variant of Uncertain Significance. Advanced modeling of protein sequence and biophysical properties (such as structural, functional, and spatial information, amino acid conservation, physicochemical variation, residue mobility, and thermodynamic stability) performed at Invitae indicates that this missense variant is not expected to disrupt CAPN5 protein function. This variant has not been reported in the literature in individuals affected with CAPN5-related conditions. This variant is present in population databases (rs747345728, gnomAD 0.009%).